The following is an entry in ClinVar:

ClinVar aggregate classification (germline): Likely benign (0 of 4 stars; one submission).

Conditions:
TLR5-related disorder. Also called: TLR5-related condition.

Allele frequency attached by ClinVar (database versions not stated): TOPMed 0.00004; ExAC 0.00006; gnomAD exomes 0.00009.
gnomAD v4.1: 52 of 1,614,266 alleles (0.0032%); highest among the groups gnomAD compares: East Asian, 0.11%; no homozygotes.

Submission:

PreventionGenetics, part of Exact Sciences
Classification: Likely benign for TLR5-related condition. Last evaluated: 2019-09-17. Review status: no assertion criteria provided. Collection method: clinical testing. Allele origin: germline.
Comment: This variant is classified as likely benign based on ACMG/AMP sequence variant interpretation guidelines (Richards et al. 2015 PMID: 25741868, with internal and published modifications).

NM_003268.6(TLR5):c.333T>C (p.His111=)

Gene: TLR5 (toll like receptor 5; minus strand). Cytogenetic location: 1q41.
Variant type: single nucleotide variant.
Coding change: c.333T>C on transcript NM_003268.6 (MANE Select); coding-DNA position 333, T replaced by C.
Protein change: p.His111=; no amino-acid change (histidine 111 retained).
Molecular consequence: synonymous variant.
Genome position (GRCh38, 1-based): chr1:223,112,699, A>G on the plus strand (T>C on the coding strand, the complement: TLR5 is on the minus strand). VCF-style: chr1-223112699-A-G. GRCh37 (hg19) VCF-style: chr1-223286041-A-G.
Identifiers: ClinVar variation 3040505 (VCV003040505.2), dbSNP rs756017329, ClinGen allele CA1410012.